The following is an entry in ClinVar:

NM_000051.4(ATM):c.7607G>C (p.Gly2536Ala)

Genes: ATM (ATM serine/threonine kinase; plus strand), C11orf65 (chromosome 11 open reading frame 65; minus strand). Cytogenetic location: 11q22.3.
Variant type: single nucleotide variant.
Coding change: c.7607G>C on transcript NM_000051.4 (MANE Select); coding-DNA position 7607, G replaced by C.
Protein change: p.Gly2536Ala; replaces glycine 2536 with alanine.
Molecular consequence: missense variant. On other transcripts: non-coding transcript variant (1), intron variant (2).
Genome position (GRCh38, 1-based): chr11:108,331,535, G>C. VCF-style: chr11-108331535-G-C. GRCh37 (hg19) VCF-style: chr11-108202262-G-C.
Other names: c.7607G>C, p.Gly2536Ala (NM_001351834.2); c.641-22464C>G (NM_001330368.2); c.*38+3685C>G (NM_001351110.2); short protein forms G2536A.
Identifiers: ClinVar variation 1363317 (VCV001363317.9), dbSNP rs2136497972, ClinGen allele CA382560825.

ClinVar aggregate classification (germline): Uncertain significance. Review status: criteria provided, multiple submitters, no conflicts (2 of 4 stars). 2 submissions from 2 submitters: Uncertain significance (2). Last evaluated 2024-05-20.

Conditions:
Ataxia-telangiectasia syndrome (AT). Also called: Ataxia-telangiectasia; LOUIS-BAR SYNDROME; Ataxia-telangiectasia, complementation group D; AT, COMPLEMENTATION GROUP C; ATAXIA-TELANGIECTASIA, COMPLEMENTATION GROUP A; ATAXIA-TELANGIECTASIA, FRESNO VARIANT. Identifiers: Orphanet 100, MedGen C0004135, MONDO:0008840, OMIM 208900.
Familial cancer of breast. Also called: BREAST CANCER, FAMILIAL; Hereditary breast cancer; hereditary breast carcinoma. Identifiers: Orphanet 227535, MedGen C0346153, MONDO:0016419, OMIM 114480. Disease mechanism: loss of function.

Submissions (2):

Fulgent Genetics
Classification: Uncertain significance for Familial cancer of breast; Ataxia-telangiectasia syndrome. Last evaluated: 2024-05-20. Review status: criteria provided, single submitter. Criteria: ACMG Guidelines, 2015. Collection method: clinical testing. Allele origin: germline.

Labcorp Genetics (formerly Invitae), Labcorp
Classification: Uncertain significance for Ataxia-telangiectasia syndrome. Last evaluated: 2021-01-08. Review status: criteria provided, single submitter. Criteria: Invitae Variant Classification Sherloc (09022015). Collection method: clinical testing. Allele origin: germline.
Comment: In summary, the available evidence is currently insufficient to determine the role of this variant in disease. Therefore, it has been classified as a Variant of Uncertain Significance. Advanced modeling of protein sequence and biophysical properties (such as structural, functional, and spatial information, amino acid conservation, physicochemical variation, residue mobility, and thermodynamic stability) performed at Invitae indicates that this missense variant is not expected to disrupt ATM protein function. This variant has not been reported in the literature in individuals with ATM-related conditions. This variant is not present in population databases (ExAC no frequency). This sequence change replaces glycine with alanine at codon 2536 of the ATM protein (p.Gly2536Ala). The glycine residue is moderately conserved and there is a small physicochemical difference between glycine and alanine.